The following is an entry in ClinVar:

NM_152703.5(SAMD9L):c.3514A>G (p.Ser1172Gly)

Gene: SAMD9L (sterile alpha motif domain containing 9 like; minus strand). Cytogenetic location: 7q21.2.
Variant type: single nucleotide variant.
Coding change: c.3514A>G on transcript NM_152703.5 (MANE Select); coding-DNA position 3514, A replaced by G.
Protein change: p.Ser1172Gly; replaces serine 1172 with glycine.
Molecular consequence: missense variant.
Genome position (GRCh38, 1-based): chr7:93,132,458, T>C on the plus strand (A>G on the coding strand, the complement: SAMD9L is on the minus strand). VCF-style: chr7-93132458-T-C. GRCh37 (hg19) VCF-style: chr7-92761771-T-C.
Other names: c.3514A>G, p.Ser1172Gly (NM_001303496.3, NM_001303497.3, NM_001303498.3 and 5 more transcripts); short protein forms S1172G.
Identifiers: ClinVar variation 3437223 (VCV003437223.3).

ClinVar aggregate classification (germline): Uncertain significance. Review status: criteria provided, multiple submitters, no conflicts (2 of 4 stars). 2 submissions from 2 submitters: Uncertain significance (2). Last evaluated 2025-06-17.

Conditions:
Inborn genetic diseases. Identifiers: MedGen C0950123, MeSH D030342.
Ataxia-pancytopenia syndrome (ATXPC). Also called: SAMD9L Ataxia-Pancytopenia Syndrome; SAMD9L-Related Syndrome. Identifiers: Orphanet 2585, MedGen C1327919, MONDO:0008038, OMIM 159550.

Submissions (2):

St. Jude Molecular Pathology, St. Jude Children's Research Hospital
Classification: Uncertain significance for Ataxia-pancytopenia syndrome. Last evaluated: 2025-06-17. Review status: criteria provided, single submitter. Criteria: St. Jude Assertion Criteria 2020. Collection method: clinical testing. Allele origin: germline.
Comment: The SAMD9L c.3514A>G p.(Ser1172Gly) missense change is absent in gnomAD v2.1.1. The in silico tool REVEL predicts a benign effect on protein function, but to our knowledge this prediction has not been confirmed by functional studies. In silico predictions have not been found to correlate with syndromic risk and are not considered supporting evidence of a pathogenic or benign effect (PMID: 34621053). To our knowledge, this variant has not been reported in individuals with ataxia-pancytopenia syndrome or monosomy 7 myelodysplasia and leukemia syndrome. In summary, the evidence currently available is insufficient to determine the clinical significance of this variant. It has therefore been classified as of uncertain significance.

Ambry Genetics
Classification: Uncertain significance for Inborn genetic diseases. Last evaluated: 2024-12-06. Review status: criteria provided, single submitter. Criteria: Ambry Variant Classification Scheme 2023. Collection method: clinical testing. Allele origin: germline.
Comment: The p.S1172G variant (also known as c.3514A>G), located in coding exon 1 of the SAMD9L gene, results from an A to G substitution at nucleotide position 3514. The serine at codon 1172 is replaced by glycine, an amino acid with similar properties. This amino acid position is conserved. In addition, this alteration is predicted to be tolerated by in silico analysis. Based on the available evidence, the clinical significance of this variant remains unclear.